The following is an entry in ClinVar:

NM_001130144.3(LTBP3):c.2777C>T (p.Thr926Ile)

Gene: LTBP3 (latent transforming growth factor beta binding protein 3; minus strand). Cytogenetic location: 11q13.1.
Variant type: single nucleotide variant.
Coding change: c.2777C>T on transcript NM_001130144.3 (MANE Select); coding-DNA position 2777, C replaced by T.
Protein change: p.Thr926Ile; replaces threonine 926 with isoleucine.
Molecular consequence: missense variant.
Genome position (GRCh38, 1-based): chr11:65,541,242, G>A on the plus strand (C>T on the coding strand, the complement: LTBP3 is on the minus strand). VCF-style: chr11-65541242-G-A. GRCh37 (hg19) VCF-style: chr11-65308713-G-A.
Other names: c.2426C>T, p.Thr809Ile (NM_001164266.1); c.2777C>T, p.Thr926Ile (NM_021070.4); short protein forms T809I, T926I.
Identifiers: ClinVar variation 1511318 (VCV001511318.8), dbSNP rs199511147, ClinGen allele CA6100479.

ClinVar aggregate classification (germline): Uncertain significance. Review status: criteria provided, multiple submitters, no conflicts (2 of 4 stars). 2 submissions from 2 submitters: Uncertain significance (2). Last evaluated 2025-12-03.

Conditions:
Inborn genetic diseases. Identifiers: MedGen C0950123, MeSH D030342.
Brachyolmia-amelogenesis imperfecta syndrome. Also called: Tooth agenesis, selective, 6; Dental anomalies and short stature; PLATYSPONDYLY WITH AMELOGENESIS IMPERFECTA. Identifiers: Orphanet 2899, MedGen C1832594, MONDO:0011018, OMIM 601216. Disease mechanism: loss of function.

Allele frequency attached by ClinVar (database versions not stated): gnomAD exomes 0.00001 and 0.00002; ExAC 0.00002; gnomAD 0.00004; TOPMed 0.00007; 1000 Genomes Project 30x 0.00016; 1000 Genomes Project 0.00020.

Submissions (2):

Labcorp Genetics (formerly Invitae), Labcorp
Classification: Uncertain significance for Brachyolmia-amelogenesis imperfecta syndrome. Last evaluated: 2025-12-03. Review status: criteria provided, single submitter. Criteria: Invitae Variant Classification Sherloc (09022015). Collection method: clinical testing. Allele origin: germline.
Comment: This sequence change replaces threonine, which is neutral and polar, with isoleucine, which is neutral and non-polar, at codon 926 of the LTBP3 protein (p.Thr926Ile). This variant is present in population databases (rs199511147, gnomAD 0.01%), including at least one homozygous and/or hemizygous individual. This variant has not been reported in the literature in individuals affected with LTBP3-related conditions. ClinVar contains an entry for this variant (Variation ID: 1511318). An algorithm developed to predict the effect of missense changes on protein structure and function (PolyPhen-2) suggests that this variant is likely to be disruptive. In summary, the available evidence is currently insufficient to determine the role of this variant in disease. Therefore, it has been classified as a Variant of Uncertain Significance.

Ambry Genetics
Classification: Uncertain significance for Inborn genetic diseases. Last evaluated: 2022-07-05. Review status: criteria provided, single submitter. Criteria: Ambry Variant Classification Scheme 2023. Collection method: clinical testing. Allele origin: germline.
Comment: The p.T926I variant (also known as c.2777C>T), located in coding exon 20 of the LTBP3 gene, results from a C to T substitution at nucleotide position 2777. The threonine at codon 926 is replaced by isoleucine, an amino acid with similar properties. This amino acid position is conserved. In addition, the in silico prediction for this alteration is inconclusive. Since supporting evidence is limited at this time, the clinical significance of this alteration remains unclear.